The following is an entry in ClinVar:

ClinVar aggregate classification (germline): Pathogenic. Review status: criteria provided, multiple submitters, no conflicts (2 of 4 stars). 9 submissions from 9 submitters: Pathogenic (7). 2 of the submissions do not count toward it. Last evaluated 2026-06-03.

Conditions:
BBS10-related disorder. Also called: BBS10-related condition.
Bardet-biedl syndrome 1/10, digenic. Identifiers: MedGen C4017206.
Bardet-Biedl syndrome (BBS). Identifiers: Orphanet 110, MedGen C0752166, MONDO:0015229.
Bardet-Biedl syndrome 10 (BBS10). Identifiers: Orphanet 110, MedGen C1859568, MONDO:0014438, OMIM 615987.

Submissions (9):

PreventionGenetics, part of Exact Sciences
Classification: Pathogenic for BBS10-related condition. Last evaluated: 2026-06-03. Review status: criteria provided, single submitter. Criteria: ACMG Guidelines, 2015. Collection method: clinical testing. Allele origin: germline.
Comment: The BBS10 c.909_912delTCAG variant is predicted to result in a frameshift and premature protein termination (p.Ser303Argfs*3). This variant has been reported in multiple cases with Bardet-Biedl syndrome/ciliopathies (reported as S303fsX305 in Table S1, Stoetzel et al. 2006. PubMed ID: 16582908; Boissel et al. 2017. PubMed ID: 29261186; Table 2, Meyer et al. 2022. PubMed ID: 35112343; Grudzinska Pechhacker et al. 2021. PubMed ID: 34940782). This variant is reported in 0.0039% of alleles in individuals of European (Non-Finnish) descent in gnomAD. Frameshift variants in BBS10 are expected to be pathogenic. This variant is interpreted as pathogenic.

GeneDx
Classification: Pathogenic. Last evaluated: 2025-10-30. Review status: criteria provided, single submitter. Criteria: GeneDx Variant Classification Process June 2021. Collection method: clinical testing. Allele origin: germline. Affected: yes.
Comment: Frameshift variant predicted to result in abnormal protein length as the last 421 amino acids are replaced with 2 different amino acids, and other similar variants have been reported in HGMD; This variant is associated with the following publications: (PMID: 31964843, 16582908, 29261186, 33630762, 34940782, 35112343, 32160518, 39731278)

Natera, Inc.
Classification: Pathogenic for Bardet-Biedl syndrome type 10. Last evaluated: 2025-08-07. Review status: criteria provided, single submitter. Criteria: Natera Variant Classification Schema (03/2026). Collection method: clinical testing. Allele origin: germline.
Comment: The c.909_912delTCAG variant in BBS10 is a frameshift variant predicted to shift the reading frame beginning at codon 303 and leads to a stop codon 3 codons downstream. This variant is expected to result in nonsense mediated decay, truncation, or a dysfunctional protein product. This variant is rare in the general population with a frequency below the threshold expected for the associated phenotype(s). This variant has been observed in one or more individuals affected with the associated recessive disease, as either homozygous or compound heterozygous with a second variant (PMID: 22410627, 20177705). Additionally, this variant has been observed to segregate in affected family members (PMID: 22410627). Given the available evidence, this variant is classified as Pathogenic.

Blueprint Genetics
Classification: Pathogenic for BBS10-related disorders. Last evaluated: 2024-09-04. Review status: criteria provided, single submitter. Criteria: ACMG Guidelines, 2015. Collection method: clinical testing. Allele origin: germline. Affected: yes. Observed: 5 variant alleles.

Labcorp Genetics (formerly Invitae), Labcorp
Classification: Pathogenic for Bardet-Biedl syndrome. Last evaluated: 2024-06-30. Review status: criteria provided, single submitter. Criteria: Invitae Variant Classification Sherloc (09022015). Collection method: clinical testing. Allele origin: germline.
Comment: This sequence change creates a premature translational stop signal (p.Ser303Argfs*3) in the BBS10 gene. While this is not anticipated to result in nonsense mediated decay, it is expected to disrupt the last 421 amino acid(s) of the BBS10 protein. This variant is present in population databases (rs780059308, gnomAD 0.004%). This premature translational stop signal has been observed in individual(s) with Bardet-Biedl syndrome (PMID: 16582908). ClinVar contains an entry for this variant (Variation ID: 432013). This variant disrupts a region of the BBS10 protein in which other variant(s) (p.Val707*) have been determined to be pathogenic (PMID: 20472660, 22773737, 25982971, 27486776). This suggests that this is a clinically significant region of the protein, and that variants that disrupt it are likely to be disease-causing. For these reasons, this variant has been classified as Pathogenic.

Fulgent Genetics
Classification: Pathogenic for Bardet-Biedl syndrome 10. Last evaluated: 2024-04-10. Review status: criteria provided, single submitter. Criteria: ACMG Guidelines, 2015. Collection method: clinical testing. Allele origin: germline.

Women's Health and Genetics/Laboratory Corporation of America, LabCorp
Classification: Pathogenic for Bardet-Biedl syndrome. Last evaluated: 2021-12-16. Review status: criteria provided, single submitter. Criteria: LabCorp Variant Classification Summary - May 2015. Collection method: clinical testing. Allele origin: germline.
Comment: Variant summary: BBS10 c.909_912delTCAG (p.Ser303ArgfsX3) results in a premature termination codon, predicted to cause a truncation of the encoded protein or absence of the protein due to nonsense mediated decay, which are commonly known mechanisms for disease. Truncations downstream of this position have been classified as pathogenic by our laboratory. The variant allele was found at a frequency of 1.6e-05 in 250386 control chromosomes (gnomAD). c.909_912delTCAG has been reported in the literature in multiple individuals affected with Bardet-Biedl Syndrome and Ciliopathy (examples: Stoetzel_2006, Daniels_2012 and Boissel_2018). These data indicate that the variant is associated with disease. Three clinical diagnostic laboratories have submitted clinical-significance assessments for this variant to ClinVar after 2014 and classified the variant as pathogenic (n=2) and likely pathogenic (n=1). Based on the evidence outlined above, the variant was classified as pathogenic.

Counsyl
Classification: Likely pathogenic for Bardet-Biedl syndrome 10. Last evaluated: 2015-04-01. Review status: no assertion criteria provided. Collection method: clinical testing. Allele origin: unknown. Not counted in ClinVar's aggregate classification.

OMIM
Classification: Pathogenic for BARDET-BIEDL SYNDROME 1/10, DIGENIC. Last evaluated: 2006-05-01. Review status: no assertion criteria provided. Collection method: literature only. Allele origin: germline. Not counted in ClinVar's aggregate classification.

Literature cited by the submitters: PubMed 22410627 (cited by Natera, Inc. and Women's Health and Genetics/Laboratory Corporation of America, LabCorp); PubMed 20177705 (cited by Natera, Inc.); PubMed 16582908 (cited by 4 submitters); PubMed 20472660 (cited by Labcorp Genetics (formerly Invitae), Labcorp); PubMed 22773737 (cited by Labcorp Genetics (formerly Invitae), Labcorp); PubMed 25982971 (cited by Labcorp Genetics (formerly Invitae), Labcorp); PubMed 27486776 (cited by Labcorp Genetics (formerly Invitae), Labcorp); PubMed 29261186 (cited by Women's Health and Genetics/Laboratory Corporation of America, LabCorp).

NM_024685.4(BBS10):c.909_912del (p.Ser303fs)

Gene: BBS10 (Bardet-Biedl syndrome 10; minus strand). Cytogenetic location: 12q21.2.
Variant type: Deletion.
Coding change: c.909_912del on transcript NM_024685.4 (MANE Select); coding-DNA positions 909 to 912, 4 bases deleted (TCAG; older notation c.909_912delTCAG).
Protein change: p.Ser303fs; shifts the reading frame from serine 303.
Molecular consequence: frameshift variant.
Genome position (GRCh38, 1-based): chr12:76,347,073-76,347,076, CTGA deleted on the plus strand (TCAG on the coding strand, the reverse complement: BBS10 is on the minus strand); deleting any 4 consecutive bases within chr12:76,347,073-76,347,078 gives the same sequence; the c. name uses the placement nearest the transcript's 3' end. VCF-style (leftmost placement, unchanged base first): chr12-76347072-TCTGA-T. GRCh37 (hg19) VCF-style: chr12-76740852-TCTGA-T.
Other names: short protein forms S303fs.
Identifiers: ClinVar variation 432013 (VCV000432013.30), dbSNP rs780059308, ClinGen allele CA6694266.